The following is an entry in ClinVar:

NM_016507.4(CDK12):c.1975G>A (p.Glu659Lys)

Gene: CDK12 (cyclin dependent kinase 12; plus strand). Cytogenetic location: 17q12.
Variant type: single nucleotide variant.
Coding change: c.1975G>A on transcript NM_016507.4 (MANE Select); coding-DNA position 1975, G replaced by A.
Protein change: p.Glu659Lys; replaces glutamic acid 659 with lysine.
Molecular consequence: missense variant.
Genome position (GRCh38, 1-based): chr17:39,490,600, G>A. VCF-style: chr17-39490600-G-A. GRCh37 (hg19) VCF-style: chr17-37646853-G-A.
Other names: c.1975G>A, p.Glu659Lys (NM_015083.4); short protein forms E659K.
Identifiers: ClinVar variation 5034068 (VCV005034068.1).

ClinVar aggregate classification (germline): Uncertain significance (1 of 4 stars; one submission).

Submission:

Ambry Genetics
Classification: Uncertain significance. Last evaluated: 2026-06-26. Review status: criteria provided, single submitter. Criteria: Ambry Variant Classification Scheme 2023. Collection method: clinical testing. Allele origin: germline.
Comment: The p.E659K variant (also known as c.1975G>A), located in coding exon 3 of the CDK12 gene, results from a G to A substitution at nucleotide position 1975. The glutamic acid at codon 659 is replaced by lysine, an amino acid with similar properties. This amino acid position is conserved. In addition, the in silico prediction for this alteration is inconclusive. Based on the available evidence, the clinical significance of this variant remains unclear.